The following is an entry in ClinVar:

NM_001144758.3(PHLDB1):c.3381G>A (p.Gly1127=)

Gene: PHLDB1 (pleckstrin homology like domain family B member 1; plus strand). Cytogenetic location: 11q23.3.
Variant type: single nucleotide variant.
Coding change: c.3381G>A on transcript NM_001144758.3 (MANE Select); coding-DNA position 3381, G replaced by A.
Protein change: p.Gly1127=; no amino-acid change (glycine 1127 retained).
Molecular consequence: synonymous variant.
Genome position (GRCh38, 1-based): chr11:118,645,615, G>A. VCF-style: chr11-118645615-G-A. GRCh37 (hg19) VCF-style: chr11-118516333-G-A.
Other names: c.3240G>A, p.Gly1080= (NM_001144759.3); c.3381G>A, p.Gly1127= (NM_015157.4).
Identifiers: ClinVar variation 4280743 (VCV004280743.7).

ClinVar aggregate classification (germline): Likely benign (1 of 4 stars; one submission).

gnomAD v4.1: 6,546 of 1,613,240 alleles (0.41%); highest among the groups gnomAD compares: Non-Finnish European, 0.51%; 20 homozygotes.

Submission:

CeGaT Center for Human Genetics Tuebingen
Classification: Likely benign. Last evaluated: 2025-10-01. Review status: criteria provided, single submitter. Criteria: CeGaT Center For Human Genetics Tuebingen Variant Classification Criteria Version 2. Collection method: clinical testing. Allele origin: germline. Affected: yes. Observed: 1 variant allele.
Comment: PHLDB1: BP4, BP7, BS2